The following is an entry in ClinVar:

NM_014956.5(CEP164):c.717G>C (p.Arg239Ser)

Gene: CEP164 (centrosomal protein 164; plus strand). Cytogenetic location: 11q23.3.
Variant type: single nucleotide variant.
Coding change: c.717G>C on transcript NM_014956.5 (MANE Select); coding-DNA position 717, G replaced by C.
Protein change: p.Arg239Ser; replaces arginine 239 with serine.
Molecular consequence: missense variant.
Genome position (GRCh38, 1-based): chr11:117,363,458, G>C. VCF-style: chr11-117363458-G-C. GRCh37 (hg19) VCF-style: chr11-117234174-G-C.
Other names: c.717G>C, p.Arg239Ser (NM_001271933.2); short protein forms R239S.
Identifiers: ClinVar variation 1301714 (VCV001301714.2), dbSNP rs1335434297, ClinGen allele CA382733123.
Genomic context (GRCh38, chr11:117,363,458, plus strand): 5'-AGTTACCACTTGTCATCATTTTTGTTTCTAGAGTGTCCACAGCTCAAGTGAGCCTCTTAG[G>C]AACCTACACCTGGACATTGGGGCACTGGGGGGTGACTTTGAGTATGAGGTAAGAGCCCTA-3'
Protein context (NP_055771.4, residues 229-249): QSVHSSSEPL[Arg239Ser]NLHLDIGALG

ClinVar aggregate classification (germline): Uncertain significance (1 of 4 stars; one submission).

Conditions:
Nephronophthisis 15 (NPHP15). Identifiers: Orphanet 3156, MedGen C3541853, MONDO:0013917, OMIM 614845.

Submission:

Dubai Health Genomic Medicine Center, Dubai Health
Classification: Uncertain significance for Nephronophthisis 15. Last evaluated: 2020-12-14. Review status: criteria provided, single submitter. Criteria: ACMG Guidelines, 2015. Collection method: clinical testing. Allele origin: germline. Affected: yes.
Comment: The p. Arg239Ser missense variant in Arg239Ser has not previously reported in affected individuals and was absent from large population studies such as the Genome Aggregation Database (gnomAD) and the Greater Middle East (GME) variome database. Computational prediction tools and conservation analysis do not provide evidence for or against pathogenicity. In summary more information is needed to fully assess the clinical significance of this variant.